The following is an entry in ClinVar:

NM_002049.4(GATA1):c.1208C>T (p.Thr403Ile)

Gene: GATA1 (GATA binding protein 1; plus strand). Cytogenetic location: Xp11.23.
Variant type: single nucleotide variant.
Coding change: c.1208C>T on transcript NM_002049.4 (MANE Select); coding-DNA position 1208, C replaced by T.
Protein change: p.Thr403Ile; replaces threonine 403 with isoleucine.
Molecular consequence: missense variant.
Genome position (GRCh38, 1-based): chrX:48,794,130, C>T. VCF-style: chrX-48794130-C-T. GRCh37 (hg19) VCF-style: chrX-48652537-C-T.
Other names: short protein forms T403I.
Identifiers: ClinVar variation 1168062 (VCV001168062.11), dbSNP rs782599587, ClinGen allele CA10404721.

ClinVar aggregate classification (germline): Benign/Likely benign. Review status: criteria provided, multiple submitters, no conflicts (2 of 4 stars). 2 submissions from 2 submitters: Benign (1); Likely benign (1). Last evaluated 2026-05-01.

Conditions:
Diamond-Blackfan anemia. Also called: Aase syndrome; Blackfan Diamond syndrome; Aregenerative anemia chronic congenital; Red cell aplasia, pure hereditary; Congenital hypoplastic anemia. Identifiers: Orphanet 124, MedGen C1260899, MeSH D029503, MONDO:0015253, HP:0004810.
GATA binding protein 1 related thrombocytopenia with dyserythropoiesis. Also called: GATA1-Related Cytopenia; GATA1-Related X-Linked Cytopenia. Identifiers: MedGen C1845837, MONDO:0100089.

Allele frequency attached by ClinVar (database versions not stated): gnomAD 0.00002; TOPMed 0.00002; gnomAD exomes 0.00003; ExAC 0.00005.
gnomAD v4.1: 37 of 1,185,151 alleles (0.0031%); highest among the groups gnomAD compares: Non-Finnish European, 0.0042%; no homozygotes.

Submissions (2):

CeGaT Center for Human Genetics Tuebingen
Classification: Likely benign. Last evaluated: 2026-05-01. Review status: criteria provided, single submitter. Criteria: CeGaT Center For Human Genetics Tuebingen Variant Classification Criteria Version 2. Collection method: clinical testing. Allele origin: germline. Affected: yes. Observed: 1 variant allele.
Comment: GATA1: BS2

Labcorp Genetics (formerly Invitae), Labcorp
Classification: Benign for GATA binding protein 1 related thrombocytopenia with dyserythropoiesis; Diamond-Blackfan anemia. Last evaluated: 2025-09-01. Review status: criteria provided, single submitter. Criteria: Invitae Variant Classification Sherloc (09022015). Collection method: clinical testing. Allele origin: germline.